The following is an entry in ClinVar:

NM_001458.5(FLNC):c.5759C>T (p.Pro1920Leu)

Genes: FLNC (filamin C; plus strand), FLNC-AS1 (FLNC antisense RNA 1; minus strand). Cytogenetic location: 7q32.1.
Variant type: single nucleotide variant.
Coding change: c.5759C>T on transcript NM_001458.5 (MANE Select); coding-DNA position 5759, C replaced by T.
Protein change: p.Pro1920Leu; replaces proline 1920 with leucine.
Molecular consequence: missense variant.
Genome position (GRCh38, 1-based): chr7:128,851,545, C>T. VCF-style: chr7-128851545-C-T. GRCh37 (hg19) VCF-style: chr7-128491599-C-T.
Other names: c.5660C>T, p.Pro1887Leu (NM_001127487.2); short protein forms P1920L, P1887L.
Identifiers: ClinVar variation 450485 (VCV000450485.6), dbSNP rs199714090, ClinGen allele CA4475774.

ClinVar aggregate classification (germline): Conflicting classifications of pathogenicity. Review status: criteria provided, conflicting classifications (1 of 4 stars). 3 submissions from 3 submitters: Uncertain significance (2); Likely benign (1). Last evaluated 2024-06-29.

Conditions:
Myofibrillar myopathy 5. Also called: Filaminopathy (type); FILAMINOPATHY, AUTOSOMAL DOMINANT. Identifiers: Orphanet 171445, MedGen C1836050, MONDO:0012289, OMIM 609524.
Distal myopathy with posterior leg and anterior hand involvement. Also called: WILLIAMS DISTAL MYOPATHY. Identifiers: Orphanet 63273, MedGen C3279722, MONDO:0013550, OMIM 614065.
Hypertrophic cardiomyopathy 26. Also called: Cardiomyopathy, familial hypertrophic, 26. Identifiers: Orphanet 75249, MedGen C4310749, MONDO:0014883, OMIM 617047.

Allele frequency attached by ClinVar (database versions not stated): gnomAD exomes below 0.00001 and 0.00001; TOPMed below 0.00001; ExAC 0.00001; gnomAD 0.00001; 1000 Genomes Project 30x 0.00016; 1000 Genomes Project 0.00020.
gnomAD v4.1: 6 of 1,613,972 alleles (0.00037%); highest among the groups gnomAD compares: East Asian, 0.0045%; no homozygotes.

Submissions (3):

Labcorp Genetics (formerly Invitae), Labcorp
Classification: Likely benign for Distal myopathy with posterior leg and anterior hand involvement; Myofibrillar myopathy 5; Hypertrophic cardiomyopathy 26. Last evaluated: 2024-06-29. Review status: criteria provided, single submitter. Criteria: Invitae Variant Classification Sherloc (09022015). Collection method: clinical testing. Allele origin: germline.

Blueprint Genetics
Classification: Uncertain significance. Last evaluated: 2019-01-16. Review status: criteria provided, single submitter. Criteria: ACMG Guidelines, 2015. Collection method: clinical testing. Allele origin: germline.

GeneDx
Classification: Uncertain significance. Last evaluated: 2017-07-18. Review status: criteria provided, single submitter. Criteria: GeneDx Variant Classification (06012015). Collection method: clinical testing. Allele origin: germline. Affected: yes.
Comment: The P1920L variant has not been published as a pathogenic variant, nor has it been reported as a benign variant to our knowledge. The P1920L variant is not observed at a significant frequency in large population cohorts (Lek et al., 2016; 1000 Genomes Consortium et al., 2015; Exome Variant Server). This variant is a semi-conservative amino acid substitution, which may impact secondary protein structure as these residues differ in some properties. This substitution occurs at a position that is conserved across species, and in silico analysis predicts this variant is probably damaging to the protein structure/function. However, missense variants in nearby residues have not been reported in the Human Gene Mutation Database in association with FLNC-related disorders (Stenson et al., 2014).